The following is an entry in ClinVar:

ClinVar aggregate classification (germline): Conflicting classifications of pathogenicity. Review status: criteria provided, conflicting classifications (1 of 4 stars). 2 submissions from 2 submitters: Uncertain significance (1); Likely benign (1). Last evaluated 2025-04-04.

Conditions:
Cardiovascular phenotype. Identifiers: MedGen CN230736.

Submissions (2):

Ambry Genetics
Classification: Likely benign for Cardiovascular phenotype. Last evaluated: 2025-04-04. Review status: criteria provided, single submitter. Criteria: Ambry Variant Classification Scheme 2023. Collection method: clinical testing. Allele origin: germline.

Labcorp Genetics (formerly Invitae), Labcorp
Classification: Uncertain significance. Last evaluated: 2022-04-23. Review status: criteria provided, single submitter. Criteria: Invitae Variant Classification Sherloc (09022015). Collection method: clinical testing. Allele origin: germline.
Comment: Algorithms developed to predict the effect of missense changes on protein structure and function output the following: SIFT: "Deleterious"; PolyPhen-2: "Benign"; Align-GVGD: "Class C0". The asparagine amino acid residue is found in multiple mammalian species, which suggests that this missense change does not adversely affect protein function. In summary, the available evidence is currently insufficient to determine the role of this variant in disease. Therefore, it has been classified as a Variant of Uncertain Significance. This variant has not been reported in the literature in individuals affected with ALPK3-related conditions. This variant is present in population databases (no rsID available, gnomAD 0.007%). This sequence change replaces lysine, which is basic and polar, with asparagine, which is neutral and polar, at codon 531 of the ALPK3 protein (p.Lys531Asn).

NM_020778.5(ALPK3):c.987G>C (p.Lys329Asn)

Gene: ALPK3 (alpha kinase 3; plus strand). Cytogenetic location: 15q25.3.
Variant type: single nucleotide variant.
Coding change: c.987G>C on transcript NM_020778.5 (MANE Select); coding-DNA position 987, G replaced by C.
Protein change: p.Lys329Asn; replaces lysine 329 with asparagine.
Molecular consequence: missense variant.
Genome position (GRCh38, 1-based): chr15:84,840,266, G>C. VCF-style: chr15-84840266-G-C. GRCh37 (hg19) VCF-style: chr15-85383497-G-C.
Other names: c.1593G>C (NM_020778.4); short protein forms K329N.
Identifiers: ClinVar variation 2129484 (VCV002129484.5), dbSNP rs1303407564, ClinGen allele CA393373993.
Genomic context (GRCh38, chr15:84,840,266, plus strand): 5'-AGAGGAGAGTGGGGCCAAGAAGAAAAAGAAAGATGAGGAATCCAAGCAAGGCCTGCGGAA[G>C]CCAGAGTTAGAGAAGGCAGCCCAAAGCCGCCGTTCTTCAGAAAACTGCATCCCCAGCTCA-3'
Protein context (NP_065829.4, residues 319-339): KDEESKQGLR[Lys329Asn]PELEKAAQSR